The following is an entry in ClinVar:

ClinVar aggregate classification (germline): Pathogenic (1 of 4 stars; one submission).

Submission:

Labcorp Genetics (formerly Invitae), Labcorp
Classification: Pathogenic. Last evaluated: 2025-11-25. Review status: criteria provided, single submitter. Criteria: Invitae Variant Classification Sherloc (09022015). Collection method: clinical testing. Allele origin: germline.
Comment: This sequence change creates a premature translational stop signal (p.Val300Glyfs*49) in the OCA2 gene. It is expected to result in an absent or disrupted protein product. Loss-of-function variants in OCA2 are known to be pathogenic (PMID: 19865097, 21541274). This variant is not present in population databases (gnomAD no frequency). This premature translational stop signal has been observed in individual(s) with oculocutaneous albinism (PMID: 18821858). For these reasons, this variant has been classified as Pathogenic.

Literature cited by the submitters: PubMed 19865097; PubMed 21541274; PubMed 18821858.

NM_000275.3(OCA2):c.898dup (p.Val300fs)

Gene: OCA2 (OCA2 melanosomal transmembrane protein; minus strand). Cytogenetic location: 15q13.1.
Variant type: Duplication.
Coding change: c.898dup on transcript NM_000275.3 (MANE Select); coding-DNA position 898, one base duplicated (G; older notation c.898dupG).
Protein change: p.Val300fs; shifts the reading frame from valine 300.
Molecular consequence: frameshift variant.
Genome position (GRCh38, 1-based): chr15:28,014,922, C duplicated on the plus strand (G on the coding strand, the reverse complement: OCA2 is on the minus strand); the first of 2 consecutive C bases (chr15:28,014,922-28,014,923); duplicating either gives the same sequence. VCF-style (leftmost placement, unchanged base first): chr15-28014921-A-AC. GRCh37 (hg19) VCF-style: chr15-28260067-A-AC.
Other names: c.898dup, p.Val300fs (NM_001300984.2); short protein forms V300fs.
Identifiers: ClinVar variation 4710155 (VCV004710155.1).